The following is an entry in ClinVar:

NM_001024845.3(SLC6A9):c.31-700G>A

Gene: SLC6A9 (solute carrier family 6 member 9; minus strand). Cytogenetic location: 1p34.1.
Variant type: single nucleotide variant.
Coding change: c.31-700G>A on transcript NM_001024845.3 (MANE Select); 700 bases into the intron before coding-DNA position 31, G replaced by A.
Molecular consequence: intron variant. On other transcripts: synonymous variant (1).
Genome position (GRCh38, 1-based): chr1:44,011,582, C>T on the plus strand (G>A on the coding strand, the complement: SLC6A9 is on the minus strand). VCF-style: chr1-44011582-C-T. GRCh37 (hg19) VCF-style: chr1-44477254-C-T.
Other names: c.228G>A (NM_201649.3); c.228G>A, p.Gln76= (NM_201649.4); c.-14-2959G>A (NM_001328630.2, NM_001328626.2); c.31-700G>A (NM_001328629.1); c.125-2959G>A (NM_001328628.1); c.125-1486G>A (NM_001328627.1); c.88-700G>A (NM_001261380.2, NM_006934.4).
Identifiers: ClinVar variation 1082192 (VCV001082192.11), dbSNP rs200011312, ClinGen allele CA817925.

ClinVar aggregate classification (germline): Likely benign. Review status: criteria provided, single submitter (1 of 4 stars). 2 submissions from 2 submitters: Likely benign (1). 1 of the submissions does not count toward it. Last evaluated 2025-09-15.

Conditions:
SLC6A9-related disorder. Also called: SLC6A9-related condition.
Atypical glycine encephalopathy. Also called: Glycine encephalopathy with normal serum glycine. Identifiers: Orphanet 289863, MedGen C4310943, MONDO:0015010, OMIM 617301.

Allele frequency attached by ClinVar (database versions not stated): ExAC 0.00005; gnomAD exomes 0.00007; TOPMed 0.00008; gnomAD 0.00009; ESP Exome Variant Server 0.00024.
gnomAD v4.1: 115 of 1,613,850 alleles (0.0071%); highest among the groups gnomAD compares: Admixed American, 0.01%; no homozygotes.

Submissions (2):

Labcorp Genetics (formerly Invitae), Labcorp
Classification: Likely benign for Atypical glycine encephalopathy. Last evaluated: 2025-09-15. Review status: criteria provided, single submitter. Criteria: Invitae Variant Classification Sherloc (09022015). Collection method: clinical testing. Allele origin: germline.

PreventionGenetics, part of Exact Sciences
Classification: Likely benign for SLC6A9-related condition. Last evaluated: 2022-06-29. Review status: no assertion criteria provided. Collection method: clinical testing. Allele origin: germline. Not counted in ClinVar's aggregate classification.
Comment: This variant is classified as likely benign based on ACMG/AMP sequence variant interpretation guidelines (Richards et al. 2015 PMID: 25741868, with internal and published modifications).